The following is an entry in ClinVar:

NM_007315.4(STAT1):c.2201_2208del (p.Val734fs)

Gene: STAT1 (signal transducer and activator of transcription 1; minus strand). Cytogenetic location: 2q32.2.
Variant type: Deletion.
Coding change: c.2201_2208del on transcript NM_007315.4 (MANE Select); coding-DNA positions 2201 to 2208, 8 bases deleted (TGTCTCGG; older notation c.2201_2208delTGTCTCGG).
Protein change: p.Val734fs; shifts the reading frame from valine 734.
Molecular consequence: frameshift variant.
Genome position (GRCh38, 1-based): chr2:190,974,860-190,974,867, CCGAGACA deleted on the plus strand (TGTCTCGG on the coding strand, the reverse complement: STAT1 is on the minus strand); deleting any 8 consecutive bases within chr2:190,974,860-190,974,869 gives the same sequence; the c. name uses the placement nearest the transcript's 3' end. VCF-style (leftmost placement, unchanged base first): chr2-190974859-TCCGAGACA-T. GRCh37 (hg19) VCF-style: chr2-191839585-TCCGAGACA-T.
Other names: short protein forms V734fs.
Identifiers: ClinVar variation 839216 (VCV000839216.7), dbSNP rs1691780324, ClinGen allele CA916080299.

ClinVar aggregate classification (germline): Uncertain significance (1 of 4 stars; one submission).

Conditions:
Immunodeficiency 31B. Also called: IMMUNODEFICIENCY 31B, MYCOBACTERIAL AND VIRAL INFECTIONS, AUTOSOMAL RECESSIVE; STAT1 DEFICIENCY, AUTOSOMAL RECESSIVE. Identifiers: Orphanet 391311, MedGen C3151088, MONDO:0013427, OMIM 613796.
Autoimmune enteropathy and endocrinopathy - susceptibility to chronic infections syndrome. Also called: Immunodeficiency 31C, autosomal dominant; Immunodeficiency 31C. Identifiers: Orphanet 391487, MedGen C3279990, MONDO:0013599, OMIM 614162.
Mendelian susceptibility to mycobacterial diseases due to partial STAT1 deficiency. Also called: IMMUNODEFICIENCY 31A, MYCOBACTERIOSIS, AUTOSOMAL DOMINANT; STAT1 DEFICIENCY, AUTOSOMAL DOMINANT; Immunodeficiency 31a. Identifiers: Orphanet 319595, MedGen C4013950, MONDO:0013956, OMIM 614892.

Submission:

Labcorp Genetics (formerly Invitae), Labcorp
Classification: Uncertain significance for Mendelian susceptibility to mycobacterial diseases due to partial STAT1 deficiency; Immunodeficiency 31B; Autoimmune enteropathy and endocrinopathy - susceptibility to chronic infections syndrome. Last evaluated: 2020-02-29. Review status: criteria provided, single submitter. Criteria: Invitae Variant Classification Sherloc (09022015). Collection method: clinical testing. Allele origin: germline.
Comment: This sequence change results in a frameshift in the STAT1 gene (p.Val734Aspfs*64). While this is not anticipated to result in nonsense mediated decay, it is expected to disrupt the last 17 amino acids of the STAT1 protein and extend the protein by an additional 47 amino acids. This variant is not present in population databases (ExAC no frequency). This variant has not been reported in the literature in individuals with STAT1-related conditions. Experimental studies and prediction algorithms are not available or were not evaluated, and the functional significance of this variant is currently unknown. In summary, the available evidence is currently insufficient to determine the role of this variant in disease. Therefore, it has been classified as a Variant of Uncertain Significance.